The following is an entry in ClinVar:

NM_000553.6(WRN):c.2089-2A>G

Gene: WRN (WRN RecQ like helicase; plus strand). Cytogenetic location: 8p12.
Variant type: single nucleotide variant.
Coding change: c.2089-2A>G on transcript NM_000553.6 (MANE Select); the canonical splice acceptor site of the intron before coding-DNA position 2089, A replaced by G.
Molecular consequence: splice acceptor variant.
Genome position (GRCh38, 1-based): chr8:31,111,613, A>G. VCF-style: chr8-31111613-A-G. GRCh37 (hg19) VCF-style: chr8-30969129-A-G.
Identifiers: ClinVar variation 4855794 (VCV004855794.1).

ClinVar aggregate classification (germline): Pathogenic (1 of 4 stars; one submission).

Conditions:
Werner syndrome (WRN). Identifiers: Orphanet 902, MedGen C0043119, MONDO:0010196, OMIM 277700.

Submission:

3billion
Classification: Pathogenic for Werner syndrome. Last evaluated: 2025-06-09. Review status: criteria provided, single submitter. Criteria: ACMG Guidelines, 2015. Collection method: clinical testing. Allele origin: germline. Affected: yes.
Comment: The variant is not observed in the gnomAD v4.1.0 dataset. Predicted Consequence/Location: Canonical splice site: predicted to alter splicing and result in a loss or disruption of normal protein function. Multiple pathogenic loss-of-function variants are reported downstream of the variant. In silico tools predict the variant to alter splicing and produce an abnormal transcript [SpliceAI: 0.96 (spliceogenicity >=0.2, non-spliceogenicity <0.1)]. Therefore, this variant is classified as Pathogenic according to the recommendation of ACMG/AMP guideline.